The following is an entry in ClinVar:

NM_052947.4(ALPK2):c.3652C>T (p.Leu1218Phe)

Genes: ALPK2 (alpha kinase 2; minus strand), LOC126862764 (BRD4-independent group 4 enhancer GRCh37_chr18:56202574-56203773; plus strand). Cytogenetic location: 18q21.31.
Variant type: single nucleotide variant.
Coding change: c.3652C>T on transcript NM_052947.4 (MANE Select); coding-DNA position 3652, C replaced by T.
Protein change: p.Leu1218Phe; replaces leucine 1218 with phenylalanine.
Molecular consequence: missense variant.
Genome position (GRCh38, 1-based): chr18:58,536,535, G>A on the plus strand (C>T on the coding strand, the complement: ALPK2 is on the minus strand). VCF-style: chr18-58536535-G-A. GRCh37 (hg19) VCF-style: chr18-56203767-G-A.
Other names: short protein forms L1218F.
Identifiers: ClinVar variation 1733611 (VCV001733611.2), dbSNP rs2051649060, ClinGen allele CA402566163.
Genomic context (GRCh38, chr18:58,536,535, plus strand): 5'-TCTTCAGCTTGTTGCCTGCCTCCCAATTTCCAGGTCTATATTCTTTAGACTCTTCCAAAA[G>A]GATATCAGAGAGAGATGGAACGTTGCTCAGAGCCTGACTGTCTTCTTCCCCAGCAGTTTC-3'
Protein context (NP_443179.3, residues 1208-1228): LSNVPSLSDI[Leu1218Phe]LEESKEYRPG

ClinVar aggregate classification (germline): Uncertain significance (1 of 4 stars; one submission).

Submission:

Ambry Genetics
Classification: Uncertain significance. Last evaluated: 2021-08-30. Review status: criteria provided, single submitter. Criteria: Ambry Variant Classification Scheme 2023. Collection method: clinical testing. Allele origin: germline.
Comment: The p.L1218F variant (also known as c.3652C>T), located in coding exon 4 of the ALPK2 gene, results from a C to T substitution at nucleotide position 3652. The leucine at codon 1218 is replaced by phenylalanine, an amino acid with highly similar properties. This amino acid position is conserved. In addition, this alteration is predicted to be tolerated by in silico analysis. Since supporting evidence is limited at this time, the clinical significance of this alteration remains unclear.